The following is an entry in ClinVar:

NM_001206927.2(DNAH8):c.1241G>C (p.Ser414Thr)

Gene: DNAH8 (dynein axonemal heavy chain 8; plus strand). Cytogenetic location: 6p21.2.
Variant type: single nucleotide variant.
Coding change: c.1241G>C on transcript NM_001206927.2 (MANE Select); coding-DNA position 1241, G replaced by C.
Protein change: p.Ser414Thr; replaces serine 414 with threonine.
Molecular consequence: missense variant.
Genome position (GRCh38, 1-based): chr6:38,741,835, G>C. VCF-style: chr6-38741835-G-C. GRCh37 (hg19) VCF-style: chr6-38709611-G-C.
Other names: c.590G>C, p.Ser197Thr (NM_001371.4); short protein forms S197T, S414T.
Identifiers: ClinVar variation 2163305 (VCV002163305.4), dbSNP rs1218388160, ClinGen allele CA363987727.

ClinVar aggregate classification (germline): Uncertain significance (1 of 4 stars; one submission).

Conditions:
Primary ciliary dyskinesia. Also called: Ciliary dyskinesia. Identifiers: Orphanet 244, MedGen C0008780, MONDO:0016575, HP:0012265.

Allele frequency attached by ClinVar (database versions not stated): TOPMed 0.00001.
gnomAD v4.1: 1 of 1,614,040 alleles (0.000062%); no homozygotes.

Submission:

Labcorp Genetics (formerly Invitae), Labcorp
Classification: Uncertain significance for Primary ciliary dyskinesia. Last evaluated: 2025-02-17. Review status: criteria provided, single submitter. Criteria: Invitae Variant Classification Sherloc (09022015). Collection method: clinical testing. Allele origin: germline.
Comment: This sequence change replaces serine, which is neutral and polar, with threonine, which is neutral and polar, at codon 414 of the DNAH8 protein (p.Ser414Thr). This variant is not present in population databases (gnomAD no frequency). This variant has not been reported in the literature in individuals affected with DNAH8-related conditions. ClinVar contains an entry for this variant (Variation ID: 2163305). An algorithm developed to predict the effect of missense changes on protein structure and function outputs the following: PolyPhen-2: "Not Available". The threonine amino acid residue is found in multiple mammalian species, which suggests that this missense change does not adversely affect protein function. In summary, the available evidence is currently insufficient to determine the role of this variant in disease. Therefore, it has been classified as a Variant of Uncertain Significance.